The following is an entry in ClinVar:

NM_173660.5(DOK7):c.490C>T (p.Pro164Ser)

Gene: DOK7 (docking protein 7; plus strand). Cytogenetic location: 4p16.3.
Variant type: single nucleotide variant.
Coding change: c.490C>T on transcript NM_173660.5 (MANE Select); coding-DNA position 490, C replaced by T.
Protein change: p.Pro164Ser; replaces proline 164 with serine.
Molecular consequence: missense variant. On other transcripts: intron variant (1).
Genome position (GRCh38, 1-based): chr4:3,476,500, C>T. VCF-style: chr4-3476500-C-T. GRCh37 (hg19) VCF-style: chr4-3478227-C-T.
Other names: c.490C>T, p.Pro164Ser (NM_001164673.2, NM_001301071.2); c.101-9039C>T (NM_001363811.2); short protein forms P164S.
Identifiers: ClinVar variation 1383852 (VCV001383852.6), dbSNP rs142756576, ClinGen allele CA2829013.

ClinVar aggregate classification (germline): Uncertain significance (1 of 4 stars; one submission).

Conditions:
Fetal akinesia deformation sequence 1 (FADS1). Also called: Fetal akinesia sequence; Pena-Shokeir syndrome type I. Identifiers: Orphanet 994, MedGen C1276035, MONDO:0100101, OMIM 208150, HP:0001989.
Congenital myasthenic syndrome 10. Also called: Myasthenia, limb-girdle, familial. Identifiers: Orphanet 590, MedGen C1850792, MONDO:0009690, OMIM 254300.

Allele frequency attached by ClinVar (database versions not stated): ExAC 0.00001; gnomAD 0.00001; gnomAD exomes 0.00001; TOPMed 0.00003; ESP Exome Variant Server 0.00015.
gnomAD v4.1: 1 of 1,613,806 alleles (0.000062%); highest among the groups gnomAD compares: African/African-American, 0.0013%; no homozygotes.

Submission:

Labcorp Genetics (formerly Invitae), Labcorp
Classification: Uncertain significance for Congenital myasthenic syndrome 10; Fetal akinesia deformation sequence 1. Last evaluated: 2023-08-30. Review status: criteria provided, single submitter. Criteria: Invitae Variant Classification Sherloc (09022015). Collection method: clinical testing. Allele origin: germline.
Comment: An algorithm developed to predict the effect of missense changes on protein structure and function (PolyPhen-2) suggests that this variant is likely to be disruptive. In summary, the available evidence is currently insufficient to determine the role of this variant in disease. Therefore, it has been classified as a Variant of Uncertain Significance. This sequence change replaces proline, which is neutral and non-polar, with serine, which is neutral and polar, at codon 164 of the DOK7 protein (p.Pro164Ser). This variant is present in population databases (rs142756576, gnomAD 0.008%). This variant has not been reported in the literature in individuals affected with DOK7-related conditions. ClinVar contains an entry for this variant (Variation ID: 1383852).